The following is an entry in ClinVar:

ClinVar aggregate classification (germline): Uncertain significance (1 of 4 stars; one submission).

Submission:

Labcorp Genetics (formerly Invitae), Labcorp
Classification: Uncertain significance. Last evaluated: 2025-04-11. Review status: criteria provided, single submitter. Criteria: Invitae Variant Classification Sherloc (09022015). Collection method: clinical testing. Allele origin: germline.
Comment: This sequence change replaces threonine, which is neutral and polar, with isoleucine, which is neutral and non-polar, at codon 55 of the CD40 protein (p.Thr55Ile). This variant is not present in population databases (gnomAD no frequency). This variant has not been reported in the literature in individuals affected with CD40-related conditions. Invitae Evidence Modeling of protein sequence and biophysical properties (such as structural, functional, and spatial information, amino acid conservation, physicochemical variation, residue mobility, and thermodynamic stability) indicates that this missense variant is not expected to disrupt CD40 protein function with a negative predictive value of 80%. In summary, the available evidence is currently insufficient to determine the role of this variant in disease. Therefore, it has been classified as a Variant of Uncertain Significance.

NM_001250.6(CD40):c.164C>T (p.Thr55Ile)

Gene: CD40 (CD40 molecule; plus strand). Cytogenetic location: 20q13.12.
Variant type: single nucleotide variant.
Coding change: c.164C>T on transcript NM_001250.6 (MANE Select); coding-DNA position 164, C replaced by T.
Protein change: p.Thr55Ile; replaces threonine 55 with isoleucine.
Molecular consequence: missense variant. On other transcripts: non-coding transcript variant (2).
Genome position (GRCh38, 1-based): chr20:46,122,266, C>T. VCF-style: chr20-46122266-C-T. GRCh37 (hg19) VCF-style: chr20-44750905-C-T.
Other names: c.164C>T, p.Thr55Ile (NM_001302753.2, NM_001322421.2, NM_001322422.2 and 3 more transcripts); short protein forms T55I.
Identifiers: ClinVar variation 4743218 (VCV004743218.1).